The following is an entry in ClinVar:

ClinVar aggregate classification (germline): Uncertain significance (1 of 4 stars; one submission).

Conditions:
RTN2-related disorder. Also called: RTN2-related condition.

Submission:

PreventionGenetics, part of Exact Sciences
Classification: Uncertain significance for RTN2-related condition. Last evaluated: 2023-04-20. Review status: criteria provided, single submitter. Criteria: ACMG Guidelines, 2015. Collection method: clinical testing. Allele origin: germline.
Comment: The RTN2 c.1564G>T variant is predicted to result in the amino acid substitution p.Ala522Ser. To our knowledge, this variant has not been reported in the literature or in a large population database, indicating this variant is rare. At this time, the clinical significance of this variant is uncertain due to the absence of conclusive functional and genetic evidence.

NM_005619.5(RTN2):c.1564G>T (p.Ala522Ser)

Genes: OPA3-RTN2 (OPA3-RTN2 readthrough; minus strand), RTN2 (reticulon 2; minus strand). Cytogenetic location: 19q13.32.
Variant type: single nucleotide variant.
Coding change: c.1564G>T on transcript NM_005619.5 (MANE Select); coding-DNA position 1564, G replaced by T.
Protein change: p.Ala522Ser; replaces alanine 522 with serine.
Molecular consequence: missense variant.
Genome position (GRCh38, 1-based): chr19:45,485,782, C>A on the plus strand (G>T on the coding strand, the complement: RTN2 is on the minus strand). VCF-style: chr19-45485782-C-A. GRCh37 (hg19) VCF-style: chr19-45989040-C-A.
Other names: c.1345G>T, p.Ala449Ser (NM_206900.3); c.544G>T, p.Ala182Ser (NM_206901.3); short protein forms A182S, A449S, A522S.
Identifiers: ClinVar variation 2628393 (VCV002628393.1), dbSNP rs2513726432, ClinGen allele CA406353304.